The following is an entry in ClinVar:

NM_014053.4(FLVCR1):c.1151G>A (p.Gly384Asp)

Gene: FLVCR1 (FLVCR choline and heme transporter 1; plus strand). Cytogenetic location: 1q32.3.
Variant type: single nucleotide variant.
Coding change: c.1151G>A on transcript NM_014053.4 (MANE Select); coding-DNA position 1151, G replaced by A.
Protein change: p.Gly384Asp; replaces glycine 384 with aspartic acid.
Molecular consequence: missense variant.
Genome position (GRCh38, 1-based): chr1:212,885,351, G>A. VCF-style: chr1-212885351-G-A. GRCh37 (hg19) VCF-style: chr1-213058693-G-A.
Other names: short protein forms G384D.
Identifiers: ClinVar variation 1466159 (VCV001466159.6), dbSNP rs2102565648, ClinGen allele CA344792445.
Genomic context (GRCh38, chr1:212,885,351, plus strand): 5'-AGGGAGAAGAAGTCAATGCTGGAAGGATTGGGCTAACGCTAGTAGTAGCTGGAATGGTGG[G>A]CTCTATTCTTTGTGGCTTATGGCTGGATTATACTAAAACATACAAGTAAGTGAAAGTAAA-3'
Protein context (NP_054772.1, residues 374-394): GLTLVVAGMV[Gly384Asp]SILCGLWLDY

ClinVar aggregate classification (germline): Uncertain significance (1 of 4 stars; one submission).

Allele frequency attached by ClinVar (database versions not stated): gnomAD exomes below 0.00001.
gnomAD v4.1: 2 of 1,614,030 alleles (0.00012%); highest among the groups gnomAD compares: Admixed American, 0.0017%; no homozygotes.

Submission:

Labcorp Genetics (formerly Invitae), Labcorp
Classification: Uncertain significance. Last evaluated: 2021-08-27. Review status: criteria provided, single submitter. Criteria: Invitae Variant Classification Sherloc (09022015). Collection method: clinical testing. Allele origin: germline.
Comment: This sequence change replaces glycine with aspartic acid at codon 384 of the FLVCR1 protein (p.Gly384Asp). The glycine residue is highly conserved and there is a moderate physicochemical difference between glycine and aspartic acid. This variant is not present in population databases (ExAC no frequency). This variant has not been reported in the literature in individuals affected with FLVCR1-related conditions. Algorithms developed to predict the effect of missense changes on protein structure and function (SIFT, PolyPhen-2, Align-GVGD) all suggest that this variant is likely to be disruptive. In summary, the available evidence is currently insufficient to determine the role of this variant in disease. Therefore, it has been classified as a Variant of Uncertain Significance.